The following is an entry in ClinVar:

NM_024422.6(DSC2):c.571_572dup (p.Asp191fs)

Gene: DSC2 (desmocollin 2; minus strand). Cytogenetic location: 18q12.1.
Variant type: Microsatellite.
Coding change: c.571_572dup on transcript NM_024422.6 (MANE Select); coding-DNA positions 571 to 572, 2 bases duplicated (GA; older notation c.571_572dupGA).
Protein change: p.Asp191fs; shifts the reading frame from aspartic acid 191.
Molecular consequence: frameshift variant.
Genome position (GRCh38, 1-based): chr18:31,089,497-31,089,498, TC duplicated on the plus strand (GA on the coding strand, the reverse complement: DSC2 is on the minus strand); duplicating any 2 consecutive bases within chr18:31,089,497-31,089,504 gives the same sequence; the c. name uses the placement nearest the transcript's 3' end. VCF-style (leftmost placement, unchanged base first): chr18-31089496-G-GTC. GRCh37 (hg19) VCF-style: chr18-28669459-G-GTC.
Other names: c.136_137GA[5], p.Asp48Glufs (NM_001406506.1, NM_001406507.1); c.571_572dup, p.Asp191fs (NM_004949.5); short protein forms D191fs.
Identifiers: ClinVar variation 1749235 (VCV001749235.2), dbSNP rs2510953787, ClinGen allele CA2580612967.

ClinVar aggregate classification (germline): Pathogenic (1 of 4 stars; one submission).

Conditions:
Cardiovascular phenotype. Identifiers: MedGen CN230736.

Submission:

Ambry Genetics
Classification: Pathogenic for Cardiovascular phenotype. Last evaluated: 2022-01-03. Review status: criteria provided, single submitter. Criteria: Ambry Variant Classification Scheme 2023. Collection method: clinical testing. Allele origin: germline.
Comment: The c.571_572dupGA pathogenic mutation, located in coding exon 5 of the DSC2 gene, results from a duplication of GA at nucleotide position 571, causing a translational frameshift with a predicted alternate stop codon (p.D191Efs*12). This variant is considered to be rare based on population cohorts in the Genome Aggregation Database (gnomAD). In addition, this alteration is expected to result in loss of function by premature protein truncation or nonsense-mediated mRNA decay. As such, this alteration is interpreted as a disease-causing mutation.